The following is an entry in ClinVar:

ClinVar aggregate classification (germline): Uncertain significance (1 of 4 stars; one submission).

Submission:

GeneDx
Classification: Uncertain significance. Last evaluated: 2024-08-01. Review status: criteria provided, single submitter. Criteria: GeneDx Variant Classification Process June 2021. Collection method: clinical testing. Allele origin: germline. Affected: yes.
Comment: Not observed at significant frequency in large population cohorts (gnomAD); In silico analysis supports that this missense variant has a deleterious effect on protein structure/function; Has not been previously published as pathogenic or benign to our knowledge

NM_182641.4(BPTF):c.5557G>C (p.Glu1853Gln)

Gene: BPTF (bromodomain PHD finger transcription factor; plus strand). Cytogenetic location: 17q24.2.
Variant type: single nucleotide variant.
Coding change: c.5557G>C on transcript NM_182641.4 (MANE Select); coding-DNA position 5557, G replaced by C.
Protein change: p.Glu1853Gln; replaces glutamic acid 1853 with glutamine.
Molecular consequence: missense variant.
Genome position (GRCh38, 1-based): chr17:67,920,143, G>C. VCF-style: chr17-67920143-G-C. GRCh37 (hg19) VCF-style: chr17-65916259-G-C.
Other names: c.5935G>C, p.Glu1979Gln (NM_004459.7); short protein forms E1853Q, E1979Q.
Identifiers: ClinVar variation 3602440 (VCV003602440.1).
Genomic context (GRCh38, chr17:67,920,143, plus strand): 5'-CGATCTGAATATTGTATCAGGAAAATCATTTGTCCCATTGGAGTTCCAGAAACACCAAAA[G>C]GTAAGAAATAGAATTCTATTCTTTCATGATTAACCTGTTAACCATGTATTTTATGAATTG-3'
Protein context (NP_872579.2, residues 1843-1863): CPIGVPETPK[Glu1853Gln]TPTPQRKGLR